The following is an entry in ClinVar:

ClinVar aggregate classification (germline): Uncertain significance. Review status: criteria provided, multiple submitters, no conflicts (2 of 4 stars). 2 submissions from 2 submitters: Uncertain significance (2). Last evaluated 2025-11-11.

Conditions:
Hereditary cancer-predisposing syndrome. Also called: Tumor predisposition; Hereditary neoplastic syndrome; Neoplastic Syndromes, Hereditary; Hereditary Cancer Syndrome. Identifiers: Orphanet 140162, MedGen C0027672, MeSH D009386, MONDO:0015356.

gnomAD v4.1: 2 of 1,613,704 alleles (0.00012%); highest among the groups gnomAD compares: East Asian, 0.0045%; no homozygotes.

Submissions (2):

Ambry Genetics
Classification: Uncertain significance for Hereditary cancer-predisposing syndrome. Last evaluated: 2025-11-11. Review status: criteria provided, single submitter. Criteria: Ambry Variant Classification Scheme 2023. Collection method: clinical testing. Allele origin: germline.
Comment: The p.Y946S variant (also known as c.2837A>C), located in coding exon 21 of the MSH3 gene, results from an A to C substitution at nucleotide position 2837. The tyrosine at codon 946 is replaced by serine, an amino acid with dissimilar properties. This amino acid position is not well conserved in available vertebrate species. In addition, this alteration is predicted to be tolerated by in silico analysis. Since supporting evidence is limited at this time, the clinical significance of this alteration remains unclear.

Labcorp Genetics (formerly Invitae), Labcorp
Classification: Uncertain significance. Last evaluated: 2025-07-16. Review status: criteria provided, single submitter. Criteria: Invitae Variant Classification Sherloc (09022015). Collection method: clinical testing. Allele origin: germline.
Comment: This sequence change replaces tyrosine, which is neutral and polar, with serine, which is neutral and polar, at codon 946 of the MSH3 protein (p.Tyr946Ser). This variant is present in population databases (no rsID available, gnomAD 0.006%). This variant has not been reported in the literature in individuals affected with MSH3-related conditions. ClinVar contains an entry for this variant (Variation ID: 1007566). An algorithm developed to predict the effect of missense changes on protein structure and function (PolyPhen-2) suggests that this variant is likely to be tolerated. In summary, the available evidence is currently insufficient to determine the role of this variant in disease. Therefore, it has been classified as a Variant of Uncertain Significance.

NM_002439.5(MSH3):c.2837A>C (p.Tyr946Ser)

Gene: MSH3 (mutS homolog 3; plus strand). Cytogenetic location: 5q14.1.
Variant type: single nucleotide variant.
Coding change: c.2837A>C on transcript NM_002439.5 (MANE Select); coding-DNA position 2837, A replaced by C.
Protein change: p.Tyr946Ser; replaces tyrosine 946 with serine.
Molecular consequence: missense variant.
Genome position (GRCh38, 1-based): chr5:80,854,153, A>C. VCF-style: chr5-80854153-A-C. GRCh37 (hg19) VCF-style: chr5-80149972-A-C.
Other names: short protein forms Y946S.
Identifiers: ClinVar variation 1007566 (VCV001007566.10), dbSNP rs763523970, ClinGen allele CA360275503.